The following is an entry in ClinVar:

NM_177438.3(DICER1):c.3349G>T (p.Glu1117Ter)

Gene: DICER1 (dicer 1, ribonuclease III; minus strand). Cytogenetic location: 14q32.13.
Variant type: single nucleotide variant.
Coding change: c.3349G>T on transcript NM_177438.3 (MANE Select); coding-DNA position 3349, G replaced by T.
Protein change: p.Glu1117Ter; replaces glutamic acid 1117 with a stop codon.
Molecular consequence: nonsense.
Genome position (GRCh38, 1-based): chr14:95,104,047, C>A on the plus strand (G>T on the coding strand, the complement: DICER1 is on the minus strand). VCF-style: chr14-95104047-C-A. GRCh37 (hg19) VCF-style: chr14-95570384-C-A.
Other names: c.3349G>T, p.Glu1117Ter (NM_001195573.1, NM_001271282.3, NM_001291628.2 and 1 more transcripts); short protein forms E1117*.
Identifiers: ClinVar variation 412104 (VCV000412104.10), dbSNP rs1060503617, ClinGen allele CA16614643.

ClinVar aggregate classification (germline): Pathogenic (1 of 4 stars; one submission).

Conditions:
DICER1-related tumor predisposition. Also called: DICER1-related pleuropulmonary blastoma cancer predisposition syndrome; DICER1 syndrome. Identifiers: Orphanet 284343, MedGen C3839822, MONDO:0100216.

Submission:

Labcorp Genetics (formerly Invitae), Labcorp
Classification: Pathogenic for DICER1-related tumor predisposition. Last evaluated: 2016-04-04. Review status: criteria provided, single submitter. Criteria: Invitae Variant Classification Sherloc (09022015). Collection method: clinical testing. Allele origin: germline.
Comment: This sequence change creates a premature translational stop signal at codon 1117 (p.Glu1117*) of the DICER1 gene. It is expected to result in an absent or disrupted protein product. While this particular variant has not been reported in the literature, truncating variants in DICER1 are known to be pathogenic (PMID: 19556464, 21266384). For these reasons, this variant has been classified as Pathogenic.

Literature cited by the submitters: PubMed 19556464; PubMed 21266384.